The following is an entry in ClinVar:

NM_172364.5(CACNA2D4):c.473A>G (p.Asn158Ser)

Gene: CACNA2D4 (calcium voltage-gated channel auxiliary subunit alpha2delta 4; minus strand). Cytogenetic location: 12p13.33.
Variant type: single nucleotide variant.
Coding change: c.473A>G on transcript NM_172364.5 (MANE Select); coding-DNA position 473, A replaced by G.
Protein change: p.Asn158Ser; replaces asparagine 158 with serine.
Molecular consequence: missense variant.
Genome position (GRCh38, 1-based): chr12:1,909,919, T>C on the plus strand (A>G on the coding strand, the complement: CACNA2D4 is on the minus strand). VCF-style: chr12-1909919-T-C. GRCh37 (hg19) VCF-style: chr12-2019085-T-C.
Other names: c.473A>G (NM_172364.4); short protein forms N158S.
Identifiers: ClinVar variation 1498001 (VCV001498001.9), dbSNP rs1866773563, ClinGen allele CA383364735.

ClinVar aggregate classification (germline): Uncertain significance. Review status: criteria provided, multiple submitters, no conflicts (2 of 4 stars). 2 submissions from 2 submitters: Uncertain significance (2). Last evaluated 2025-11-20.

Conditions:
Inborn genetic diseases. Identifiers: MedGen C0950123, MeSH D030342.

Allele frequency attached by ClinVar (database versions not stated): gnomAD exomes below 0.00001.
gnomAD v4.1: 3 of 1,613,730 alleles (0.00019%); highest among the groups gnomAD compares: Non-Finnish European, 0.00025%; no homozygotes.

Submissions (2):

Ambry Genetics
Classification: Uncertain significance for Inborn genetic diseases. Last evaluated: 2025-11-20. Review status: criteria provided, single submitter. Criteria: Ambry Variant Classification Scheme 2023. Collection method: clinical testing. Allele origin: germline.

Labcorp Genetics (formerly Invitae), Labcorp
Classification: Uncertain significance. Last evaluated: 2022-02-24. Review status: criteria provided, single submitter. Criteria: Invitae Variant Classification Sherloc (09022015). Collection method: clinical testing. Allele origin: germline.
Comment: In summary, the available evidence is currently insufficient to determine the role of this variant in disease. Therefore, it has been classified as a Variant of Uncertain Significance. This sequence change replaces asparagine, which is neutral and polar, with serine, which is neutral and polar, at codon 158 of the CACNA2D4 protein (p.Asn158Ser). Algorithms developed to predict the effect of sequence changes on RNA splicing suggest that this variant may create or strengthen a splice site. Algorithms developed to predict the effect of missense changes on protein structure and function are either unavailable or do not agree on the potential impact of this missense change (SIFT: "Deleterious"; PolyPhen-2: "Possibly Damaging"; Align-GVGD: "Class C0"). This variant has not been reported in the literature in individuals affected with CACNA2D4-related conditions. This variant is not present in population databases (gnomAD no frequency).